The following is an entry in ClinVar:

NC_012920.1(MT-ND2):m.5186A>T

Gene: MT-ND2 (mitochondrially encoded NADH dehydrogenase 2; plus strand).
Variant type: single nucleotide variant.
Genome position: chrM-5186-A-T.
Identifiers: ClinVar variation 692552 (VCV000692552.1), dbSNP rs878939965, ClinGen allele CA337097074.

ClinVar aggregate classification (germline): Benign (1 of 4 stars; one submission).

Conditions:
Leigh syndrome (NULS). Also called: Leigh's necrotizing encephalopathy; Leigh's disease; Leigh Syndrome (mtDNA deletion); Leigh Disease; Subacute necrotizing encephalopathy; Necrotizing encephalopathy infantile subacute of Leigh. Identifiers: Orphanet 506, MedGen C2931891, MONDO:0009723, OMIM 256000.

Submission:

Wong Mito Lab, Molecular and Human Genetics, Baylor College of Medicine
Classification: Benign for Leigh syndrome. Last evaluated: 2019-10-17. Review status: criteria provided, single submitter. Criteria: Modified ACMG Guidelines (Unpublished). Collection method: clinical testing. Allele origin: germline.
Comment: The NC_012920.1:m.5186A>T (YP_003024027.1:p.Trp239Cys) variant in MTND2 gene is interpretated to be a Benign variant based on the modified ACMG guidelines (unpublished). This variant meets the following evidence codes: BS1, BS4